The following is an entry in ClinVar:

ClinVar aggregate classification (germline): Uncertain significance. Review status: criteria provided, multiple submitters, no conflicts (2 of 4 stars). 2 submissions from 2 submitters: Uncertain significance (2). Last evaluated 2023-11-27.

Conditions:
Ullrich congenital muscular dystrophy 2 (UCMD2). Identifiers: Orphanet 75840, MedGen C4225314, MONDO:0014654, OMIM 616470.
Bethlem myopathy 2 (BTHLM2). Identifiers: Orphanet 536516, Orphanet 610, MedGen C4225313, MONDO:0034022, OMIM 616471.

Submissions (2):

Labcorp Genetics (formerly Invitae), Labcorp
Classification: Uncertain significance for Bethlem myopathy 2; Ullrich congenital muscular dystrophy 2. Last evaluated: 2023-11-27. Review status: criteria provided, single submitter. Criteria: Invitae Variant Classification Sherloc (09022015). Collection method: clinical testing. Allele origin: germline.
Comment: This variant, c.7916_7918del, results in the deletion of 1 amino acid(s) of the COL12A1 protein (p.Glu2639del), but otherwise preserves the integrity of the reading frame. This variant is not present in population databases (gnomAD no frequency). This variant has not been reported in the literature in individuals affected with COL12A1-related conditions. ClinVar contains an entry for this variant (Variation ID: 1315887). Experimental studies and prediction algorithms are not available or were not evaluated, and the functional significance of this variant is currently unknown. In summary, the available evidence is currently insufficient to determine the role of this variant in disease. Therefore, it has been classified as a Variant of Uncertain Significance.

GeneDx
Classification: Uncertain significance. Last evaluated: 2019-09-26. Review status: criteria provided, single submitter. Criteria: GeneDx Variant Classification Process June 2021. Collection method: clinical testing. Allele origin: germline. Affected: yes.
Comment: Has not been previously published as pathogenic or benign to our knowledge; Not observed in large population cohorts (Lek et al., 2016); In-frame deletion of 1 amino acids in a non-repeat region; In silico analysis, which includes protein predictors and evolutionary conservation, supports a deleterious effect

NM_004370.6(COL12A1):c.7913AAG[1] (p.Glu2639del)

Gene: COL12A1 (collagen type XII alpha 1 chain; minus strand). Cytogenetic location: 6q13.
Variant type: Microsatellite.
Coding change: c.7913AAG[1] on transcript NM_004370.6 (MANE Select); one copy of the 3-base unit AAG starting at c.7913; the reference has two copies in a row; one copy, 3 bases deleted.
Protein change: p.Glu2639del; deletes glutamic acid 2639.
Molecular consequence: inframe deletion.
Genome position (GRCh38, 1-based): chr6:75,113,236-75,113,238, CTT deleted on the plus strand (AAG on the coding strand, the reverse complement: COL12A1 is on the minus strand); deleting any 3 consecutive bases within chr6:75,113,236-75,113,243 gives the same sequence; the position shown is the placement nearest the transcript's 3' end. VCF-style (leftmost placement, unchanged base first): chr6-75113235-ACTT-A. GRCh37 (hg19) VCF-style: chr6-75822951-ACTT-A.
Other names: c.4421AAG[1], p.Glu1475del (NM_080645.3); short protein forms E1475del, E2639del.
Identifiers: ClinVar variation 1315887 (VCV001315887.9), dbSNP rs1238774939, ClinGen allele CA828079781.
Genomic context (GRCh38, chr6:75,113,235, plus strand): 5'-ATAAGACTCAAATAATCTTATGTTTTTACCTTGTGAAAACTTCCATAAAATAATGTCTTT[ACTT>A]CTTCTGTGTCAAATGTAACAGTTTGCACCTCGCCTCTTGTATCCTTGTTAAAGAATGATA-3'